The following is an entry in ClinVar:

NM_000179.3(MSH6):c.2119dup (p.Glu707fs)

Gene: MSH6 (mutS homolog 6; plus strand). Cytogenetic location: 2p16.3.
Variant type: Duplication.
Coding change: c.2119dup on transcript NM_000179.3 (MANE Select); coding-DNA position 2119, one base duplicated (G; older notation c.2119dupG).
Protein change: p.Glu707fs; shifts the reading frame from glutamic acid 707.
Molecular consequence: frameshift variant.
Genome position (GRCh38, 1-based): chr2:47,800,102, G duplicated. VCF-style (leftmost placement, unchanged base first): chr2-47800101-T-TG. GRCh37 (hg19) VCF-style: chr2-48027240-T-TG.
Other names: c.1729dup, p.Glu577fs (NM_001281492.2); c.1213dup, p.Glu405fs (NM_001281493.2, NM_001281494.2); c.2215dup, p.Glu739Glyfs (NM_001406795.1, NM_001406802.1); c.2119dup, p.Glu707Glyfs (NM_001406796.1, NM_001406798.1, NM_001406800.1 and 3 more transcripts); c.1822dup, p.Glu608Glyfs (NM_001406797.1, NM_001406801.1, NM_001406805.1 and 10 more transcripts); c.1594dup, p.Glu532Glyfs (NM_001406799.1, NM_001406806.1, NM_001406807.1); c.2041dup, p.Glu681Glyfs (NM_001406804.1); c.1213dup, p.Glu405Glyfs (NM_001406811.1, NM_001406812.1, NM_001406814.1 and 4 more transcripts); and 2 more; short protein forms E405fs, E707fs, E577fs.
Identifiers: ClinVar variation 2055173 (VCV002055173.4), dbSNP rs2530651698, ClinGen allele CA2580067757.

ClinVar aggregate classification (germline): Pathogenic (1 of 4 stars; one submission).

Conditions:
Hereditary nonpolyposis colorectal neoplasms. Identifiers: MedGen C0009405, MeSH D003123.

Submission:

Labcorp Genetics (formerly Invitae), Labcorp
Classification: Pathogenic for Hereditary nonpolyposis colorectal neoplasms. Last evaluated: 2021-12-23. Review status: criteria provided, single submitter. Criteria: Invitae Variant Classification Sherloc (09022015). Collection method: clinical testing. Allele origin: germline.
Comment: This sequence change creates a premature translational stop signal (p.Glu707Glyfs*9) in the MSH6 gene. It is expected to result in an absent or disrupted protein product. Loss-of-function variants in MSH6 are known to be pathogenic (PMID: 18269114, 24362816). This variant is not present in population databases (gnomAD no frequency). This variant has not been reported in the literature in individuals affected with MSH6-related conditions. For these reasons, this variant has been classified as Pathogenic.

Literature cited by the submitters: PubMed 18269114; PubMed 24362816.